The following is an entry in ClinVar:

NM_006899.5(IDH3B):c.1143G>A (p.Gln381=)

Gene: IDH3B (isocitrate dehydrogenase (NAD(+)) 3 non-catalytic subunit beta; minus strand). Cytogenetic location: 20p13.
Variant type: single nucleotide variant.
Coding change: c.1143G>A on transcript NM_006899.5 (MANE Select); coding-DNA position 1143, G replaced by A.
Protein change: p.Gln381=; no amino-acid change (glutamine 381 retained).
Molecular consequence: synonymous variant. On other transcripts: non-coding transcript variant (1), intron variant (1).
Genome position (GRCh38, 1-based): chr20:2,658,766, C>T on the plus strand (G>A on the coding strand, the complement: IDH3B is on the minus strand). VCF-style: chr20-2658766-C-T. GRCh37 (hg19) VCF-style: chr20-2639412-C-T.
Other names: c.1143G>A, p.Gln381= (NM_001330763.2); c.1072-244G>A (NM_174855.4); c.1143G>A (NM_006899.4).
Identifiers: ClinVar variation 1164504 (VCV001164504.11), dbSNP rs146881502, ClinGen allele CA9735037.
Genomic context (GRCh38, chr20:2,658,766, plus strand): 5'-GTATGGGGAGTGTGGTCCTTGCAAGGTTGGAAGAAATAAAGGGCTCTAGCTCCCTTTAGT[C>T]TGCAGGTGACCGATGACAGACTTGATGAAGTCGGTTGTGGTGCTGTAGCCGCCCATGTCT-3'
Protein context (NP_008830.2, residues 371-385): DFIKSVIGHL[Gln381=]TKGS

ClinVar aggregate classification (germline): Benign/Likely benign. Review status: criteria provided, multiple submitters, no conflicts (2 of 4 stars). 3 submissions from 3 submitters: Benign (1); Likely benign (2). Last evaluated 2026-06-01.

Conditions:
IDH3B-related disorder. Also called: IDH3B-related condition.

Allele frequency attached by ClinVar (database versions not stated): gnomAD 0.00007; gnomAD exomes 0.00007 and 0.00038; ESP Exome Variant Server 0.00015; TOPMed 0.00015; ExAC 0.00037.
gnomAD v4.1: 107 of 1,614,082 alleles (0.0066%); highest among the groups gnomAD compares: Admixed American, 0.16%; no homozygotes.

Submissions (3):

PreventionGenetics, part of Exact Sciences
Classification: Likely benign for IDH3B-related condition. Last evaluated: 2026-06-01. Review status: criteria provided, single submitter. Criteria: ACMG Guidelines, 2015. Collection method: clinical testing. Allele origin: germline.
Comment: This variant is classified as likely benign based on ACMG/AMP sequence variant interpretation guidelines (Richards et al. 2015 PMID: 25741868, with internal and published modifications).

Labcorp Genetics (formerly Invitae), Labcorp
Classification: Benign. Last evaluated: 2026-01-19. Review status: criteria provided, single submitter. Criteria: Invitae Variant Classification Sherloc (09022015). Collection method: clinical testing. Allele origin: germline.

Blueprint Genetics
Classification: Likely benign. Last evaluated: 2022-09-02. Review status: criteria provided, single submitter. Criteria: ACMG Guidelines, 2015. Collection method: clinical testing. Allele origin: germline.